The following is an entry in ClinVar:

NM_133433.4(NIPBL):c.6706A>G (p.Asn2236Asp)

Gene: NIPBL (NIPBL cohesin loading factor; plus strand). Cytogenetic location: 5p13.2.
Variant type: single nucleotide variant.
Coding change: c.6706A>G on transcript NM_133433.4 (MANE Select); coding-DNA position 6706, A replaced by G.
Protein change: p.Asn2236Asp; replaces asparagine 2236 with aspartic acid.
Molecular consequence: missense variant.
Genome position (GRCh38, 1-based): chr5:37,048,618, A>G. VCF-style: chr5-37048618-A-G. GRCh37 (hg19) VCF-style: chr5-37048720-A-G.
Other names: c.6706A>G, p.Asn2236Asp (NM_015384.5); short protein forms N2236D.
Identifiers: ClinVar variation 3233967 (VCV003233967.2), dbSNP rs2478617885, ClinGen allele CA359508456.
Genomic context (GRCh38, chr5:37,048,618, plus strand): 5'-TATAATAATATTTTATCTGATAAGAACTCCTCAGTCAATTTAAAAATACAAGTGTTAAAA[A>G]ACCTCCAGACCTACCTACAAGAAGAAGATACACGTATGCAGCAGGCAGATAGAGACTGTA-3'
Protein context (NP_597677.2, residues 2226-2246): SVNLKIQVLK[Asn2236Asp]LQTYLQEEDT

ClinVar aggregate classification (germline): Likely pathogenic (1 of 4 stars; one submission).

Conditions:
Cornelia de Lange syndrome 1 (CDLS1). Also called: Brachmann de Lange syndrome; TYPUS DEGENERATIVUS AMSTELODAMENSIS; NIPBL-Related Cornelia de Lange Syndrome. Identifiers: Orphanet 199, MedGen C4551851, MONDO:0007387, OMIM 122470.

Submission:

Women's Health and Genetics/Laboratory Corporation of America, LabCorp
Classification: Likely pathogenic for Cornelia de Lange syndrome 1. Last evaluated: 2024-03-14. Review status: criteria provided, single submitter. Criteria: LabCorp Variant Classification Summary - May 2015. Collection method: clinical testing. Allele origin: germline.
Comment: Variant summary: NIPBL c.6706A>G (p.Asn2236Asp) results in a conservative amino acid change in the encoded protein sequence. Four of five in-silico tools predict a damaging effect of the variant on protein function. The variant was absent in 249840 control chromosomes (gnomAD). The available data on variant occurrences in the general population are insufficient to allow any conclusion about variant significance. In addition, different missense changes affecting the same amino acid (p.N2236I/Y) have been reported in individuals affected with Cornelia de Lange syndrome (HGMD, LOVD), and been classified as likely pathogenic/pathogenic in ClinVar (Variation ID 159208). To our knowledge, no experimental evidence demonstrating an impact on protein function has been reported. No submitters have cited clinical-significance assessments for this variant to ClinVar. Based on the evidence outlined above, the variant was classified as likely pathogenic.